The following is an entry in ClinVar:

NM_005908.4(MANBA):c.674-41AT[10]

Gene: MANBA (mannosidase beta; minus strand). Cytogenetic location: 4q24.
Variant type: Microsatellite.
Coding change: c.674-41AT[10] on transcript NM_005908.4 (MANE Select); ten copies in a row of the 2-base unit AT starting at c.674-41; the reference has nine copies in a row; one copy, 2 bases duplicated.
Molecular consequence: intron variant.
Genome position (GRCh38, 1-based): chr4:102,690,795-102,690,796, AT duplicated on the plus strand (AT on the coding strand, the reverse complement: MANBA is on the minus strand); duplicating any 2 consecutive bases within chr4:102,690,795-102,690,813 gives the same sequence; the position shown is the placement nearest the transcript's 3' end. VCF-style (leftmost placement, unchanged base first): chr4-102690794-A-AAT. GRCh37 (hg19) VCF-style: chr4-103611951-A-AAT.
Other names: p.?; c.674-25_674-24dup (NM_005908.4).
Identifiers: ClinVar variation 1190461 (VCV001190461.3), dbSNP rs143832054, ClinGen allele CA3027137.

ClinVar aggregate classification (germline): Benign/Likely benign. Review status: criteria provided, multiple submitters, no conflicts (2 of 4 stars). 2 submissions from 2 submitters: Benign (1); Likely benign (1). Last evaluated 2025-04-01.

Submissions (2):

Mayo Clinic Laboratories, Mayo Clinic
Classification: Benign. Last evaluated: 2025-04-01. Review status: criteria provided, single submitter. Criteria: ACMG Guidelines, 2015. Collection method: clinical testing. Allele origin: germline. Observed: 2 variant alleles.
Comment: BA1, BP4, BP7

GeneDx
Classification: Likely benign. Last evaluated: 2019-08-13. Review status: criteria provided, single submitter. Criteria: GeneDx Variant Classification Process June 2021. Collection method: clinical testing. Allele origin: germline. Affected: yes.